The following is an entry in ClinVar:

ClinVar aggregate classification (germline): Conflicting classifications of pathogenicity. Review status: criteria provided, conflicting classifications (1 of 4 stars). 16 submissions from 16 submitters: Uncertain significance (15); Likely benign (1). Last evaluated 2026-03-12.

Conditions:
MSH6-related disorder. Also called: MSH6-Related disorders; MSH6-related condition.
Hereditary nonpolyposis colorectal neoplasms. Identifiers: MedGen C0009405, MeSH D003123.
Hereditary cancer-predisposing syndrome. Also called: Tumor predisposition; Neoplastic Syndromes, Hereditary; Hereditary neoplastic syndrome; Hereditary Cancer Syndrome. Identifiers: Orphanet 140162, MedGen C0027672, MeSH D009386, MONDO:0015356.
Lynch syndrome. Identifiers: Orphanet 144, MedGen C4552100, MONDO:0005835. Disease mechanism: loss of function.
Endometrial carcinoma. Also called: Endometrial carcinoma, somatic. Identifiers: MedGen C0476089, MONDO:0002447, OMIM 608089, HP:0012114.
Mismatch repair cancer syndrome 1 (MMRCS1). Also called: BRAIN TUMOR-POLYPOSIS SYNDROME 1; BTP1 SYNDROME; CHILDHOOD CANCER SYNDROME; MISMATCH REPAIR DEFICIENCY; MMR DEFICIENCY. Identifiers: Orphanet 252202, MedGen C5399763, MONDO:0010159, OMIM 276300. Disease mechanism: loss of function.
Lynch syndrome 5 (LYNCH5). Also called: Colorectal cancer, hereditary nonpolyposis, type 5; Hereditary non-polyposis colorectal cancer, type 5. Identifiers: Orphanet 144, MedGen C1833477, MONDO:0013710, OMIM 614350. Disease mechanism: loss of function.

Allele frequency attached by ClinVar (database versions not stated): TOPMed 0.00001; ExAC 0.00003; gnomAD exomes 0.00003; gnomAD 0.00005 and 0.00006.
gnomAD v4.1: 24 of 1,614,062 alleles (0.0015%); highest among the groups gnomAD compares: Admixed American, 0.0033%; no homozygotes.

Submissions (16):

PreventionGenetics, part of Exact Sciences
Classification: Uncertain significance for MSH6-related condition. Last evaluated: 2026-03-12. Review status: criteria provided, single submitter. Criteria: ACMG Guidelines, 2015. Collection method: clinical testing. Allele origin: germline.
Comment: The MSH6 c.1814C>G variant is predicted to result in the amino acid substitution p.Thr605Ser. This variant has been reported in individuals with a personal or family history of breast and/or ovarian cancer (Table S5, Tsaousis et al 2019. PubMed ID: 31159747; Table S3, Rizzolo et al 2019. PubMed ID: 30613976; Table S3, de Oliveira et al. 2022. PubMed ID: 35534704). It has also been reported in an individual with synchronous ovarian Sertoli-Leydig cell tumor (SLCT) and clear cell papillary renal cell carcinoma (CCP-RCC) (Macera et al. 2025. PubMed ID:40862798). This variant is reported in 0.0093% of alleles in individuals of European (non-Finnish) descent in gnomAD. This variant has conflicting classifications in ClinVar of uncertain significance and likely benign (Variation ID: 141265). At this time, the clinical significance of this variant is uncertain due to the absence of conclusive functional and genetic evidence.

Labcorp Genetics (formerly Invitae), Labcorp
Classification: Likely benign for Hereditary nonpolyposis colorectal neoplasms. Last evaluated: 2026-01-21. Review status: criteria provided, single submitter. Criteria: Invitae Variant Classification Sherloc (09022015). Collection method: clinical testing. Allele origin: germline.

Color Diagnostics, LLC DBA Color Health
Classification: Uncertain significance for Hereditary cancer-predisposing syndrome. Last evaluated: 2025-06-24. Review status: criteria provided, single submitter. Criteria: ACMG Guidelines, 2015. Collection method: clinical testing. Allele origin: germline.
Comment: This missense variant replaces threonine with serine at codon 605 of the MSH6 protein. Computational prediction is inconclusive regarding the impact of this variant on protein structure and function. To our knowledge, functional studies have not been reported for this variant. This variant has been reported in individuals affected with breast/ovarian cancer (PMID: 31159747), and an individual suspected of having Lynch syndrome (PMID: 31391288). This variant has been identified in 15/281884 chromosomes in the general population by the Genome Aggregation Database (gnomAD). The available evidence is insufficient to determine the role of this variant in disease conclusively. Therefore, this variant is classified as a Variant of Uncertain Significance.

Ambry Genetics
Classification: Uncertain significance for Hereditary cancer-predisposing syndrome. Last evaluated: 2025-06-07. Review status: criteria provided, single submitter. Criteria: Ambry Variant Classification Scheme 2023. Collection method: clinical testing. Allele origin: germline.
Comment: The p.T605S variant (also known as c.1814C>G), located in coding exon 4 of the MSH6 gene, results from a C to G substitution at nucleotide position 1814. The threonine at codon 605 is replaced by serine, an amino acid with similar properties. This alteration has also been reported in 1/1197 individuals from Greece, Romania, and Turkey undergoing evaluation for inherited cancer predisposition (Tsaousis GN et al. BMC Cancer, 2019 Jun;19:535). Additionally, this alteration was seen in 0/732 breast cancer patients, 0/189 colorectal cancer patients and 1/490 cancer-free elderly controls in a Turkish population (Akcay IM et al. Int J Cancer, 2021 Jan;148:285-295). This variant was also reported in 2/60,466 breast cancer cases and in 3/53,461 controls (Dorling et al. N Engl J Med. 2021 02;384:428-439). This amino acid position is highly conserved in available vertebrate species. In addition, this alteration is predicted to be deleterious by in silico analysis. Since supporting evidence is limited at this time, the clinical significance of this alteration remains unclear.

Revvity Omics, Revvity
Classification: Uncertain significance. Last evaluated: 2025-05-12. Review status: criteria provided, single submitter. Criteria: ACMG Guidelines, 2015. Collection method: clinical testing. Allele origin: germline.

Molecular Pathology, Peter Maccallum Cancer Centre
Classification: Uncertain significance for Lynch syndrome 5. Last evaluated: 2025-04-11. Review status: criteria provided, single submitter. Criteria: ACMG Guidelines, 2015. Collection method: clinical testing. Allele origin: germline. Inheritance: Autosomal dominant inheritance.

Blueprint Genetics
Classification: Uncertain significance. Last evaluated: 2024-03-19. Review status: criteria provided, single submitter. Criteria: ACMG Guidelines, 2015. Collection method: clinical testing. Allele origin: germline.

Hereditary Cancer Laboratory, Hospital Universitario 12 de Octubre
Classification: Uncertain significance for Hereditary cancer-predisposing syndrome. Last evaluated: 2024-02-21. Review status: criteria provided, single submitter. Criteria: ACMG Guidelines, 2015. Collection method: clinical testing. Allele origin: germline.
Comment: PM2

Baylor Genetics
Classification: Uncertain significance for Endometrial carcinoma. Last evaluated: 2023-12-11. Review status: criteria provided, single submitter. Criteria: ACMG Guidelines, 2015. Collection method: clinical testing. Allele origin: unknown.

All of Us Research Program, National Institutes of Health
Classification: Uncertain significance for Lynch syndrome. Last evaluated: 2023-11-28. Review status: criteria provided, single submitter. Criteria: ACMG Guidelines, 2015. Collection method: clinical testing. Allele origin: germline. Inheritance: Autosomal dominant inheritance. Observed: 6 variant alleles, 6 heterozygotes.
Comment: This missense variant replaces threonine with serine at codon 605 of the MSH6 protein. Computational prediction is inconclusive regarding the impact of this variant on protein structure and function (internally defined REVEL score threshold 0.5 < inconclusive < 0.7, PMID: 27666373). To our knowledge, functional studies have not been reported for this variant. This variant has been reported in individuals affected with breast/ovarian cancer (PMID: 31159747), and an individual suspected of having Lynch syndrome (PMID: 31391288). This variant has been identified in 15/281884 chromosomes in the general population by the Genome Aggregation Database (gnomAD). The available evidence is insufficient to determine the role of this variant in disease conclusively. Therefore, this variant is classified as a Variant of Uncertain Significance.

This study involves interpretation of variants in research participants for the purpose of population health screening. Participant phenotype was not available at the time of variant classification. Additional details can be found in publication PMID: 35346344, PMCID: PMC8962531

GeneDx
Classification: Uncertain significance. Last evaluated: 2023-08-23. Review status: criteria provided, single submitter. Criteria: GeneDx Variant Classification Process June 2021. Collection method: clinical testing. Allele origin: germline. Affected: yes.
Comment: In silico analysis supports that this missense variant has a deleterious effect on protein structure/function; Observed in individuals with a personal or family history of breast or unspecified cancer as well as in unaffected control individuals (Rizzolo et al., 2019; Tsaousis et al., 2019; Akcay et al., 2020; Li et al., 2020; Dorling et al., 2021); This variant is associated with the following publications: (PMID: 31159747, 31391288, 30613976, 33471991, 17531815, 21120944, 32658311)

Quest Diagnostics Nichols Institute San Juan Capistrano
Classification: Uncertain significance. Last evaluated: 2019-04-24. Review status: criteria provided, single submitter. Criteria: Quest Diagnostics criteria. Collection method: clinical testing. Allele origin: germline.

Fulgent Genetics
Classification: Uncertain significance for Mismatch repair cancer syndrome 1; Endometrial carcinoma; Lynch syndrome 5. Last evaluated: 2018-10-31. Review status: criteria provided, single submitter. Criteria: ACMG Guidelines, 2015. Collection method: clinical testing. Allele origin: unknown.

GeneKor MSA
Classification: Uncertain significance for Hereditary cancer-predisposing syndrome. Last evaluated: 2018-08-01. Review status: criteria provided, single submitter. Criteria: ACMG Guidelines, 2015. Collection method: clinical testing. Allele origin: germline. Affected: yes.

Mendelics
Classification: Uncertain significance for Lynch syndrome. Last evaluated: 2018-07-02. Review status: criteria provided, single submitter. Criteria: Mendelics Assertion Criteria 2017. Collection method: clinical testing. Allele origin: unknown.

Women's Health and Genetics/Laboratory Corporation of America, LabCorp
Classification: Uncertain significance. Last evaluated: 2017-08-08. Review status: criteria provided, single submitter. Criteria: LabCorp Variant Classification Summary - May 2015. Collection method: clinical testing. Allele origin: germline.
Comment: Variant summary: The MSH6 c.1814C>G (p.Thr605Ser) variant located in the DNA mismatch repair protein MutS, connector domain (via InterPro) involves the alteration of a conserved nucleotide and 3/5 in silico tools predict a benign outcome. However, these predictions have yet to be functionally assessed. This variant was found in 15/276888 control chromosomes, predominantly observed in the European (Non-Finnish) subpopulation at a frequency of 0.000103 (13/126470). This frequency is comparable to the estimated maximal expected allele frequency of a pathogenic MSH6 variant (0.0001421), suggesting this variant could be a rare benign polymorphism found in population(s) of European (Non-Finnish) origin. The variant of interest has not, to our knowledge, been reported in affected individuals via publications. Although, multiple clinical diagnostic laboratories and a reputable database classified this variant as uncertain significance. Because of the absence of clinical information and the lack of functional studies, the variant is classified as a "Variant of Uncertain Significance (VUS)," until additional information becomes available.

Literature cited by the submitters: PubMed 31159747 (cited by 3 submitters); PubMed 31391288 (cited by Color Diagnostics, LLC DBA Color Health and All of Us Research Program, National Institutes of Health); PubMed 32658311 (cited by Ambry Genetics); PubMed 33471991 (cited by Ambry Genetics).

NM_000179.3(MSH6):c.1814C>G (p.Thr605Ser)

Gene: MSH6 (mutS homolog 6; plus strand). Cytogenetic location: 2p16.3.
Variant type: single nucleotide variant.
Coding change: c.1814C>G on transcript NM_000179.3 (MANE Select); coding-DNA position 1814, C replaced by G.
Protein change: p.Thr605Ser; replaces threonine 605 with serine.
Molecular consequence: missense variant.
Genome position (GRCh38, 1-based): chr2:47,799,797, C>G. VCF-style: chr2-47799797-C-G. GRCh37 (hg19) VCF-style: chr2-48026936-C-G.
Other names: p.T605S:ACT>AGT; c.1424C>G, p.Thr475Ser (NM_001281492.2); c.908C>G, p.Thr303Ser (NM_001281493.2, NM_001281494.2); short protein forms T605S, T303S, T475S.
Identifiers: ClinVar variation 141265 (VCV000141265.43), dbSNP rs587781616, ClinGen allele CA009251.